The following is an entry in ClinVar:

NM_024989.4(PGAP1):c.274_276del (p.Pro92del)

Gene: PGAP1 (post-GPI attachment to proteins inositol deacylase 1; minus strand). Cytogenetic location: 2q33.1.
Variant type: Deletion.
Coding change: c.274_276del on transcript NM_024989.4 (MANE Select); coding-DNA positions 274 to 276, 3 bases deleted (CCT; older notation c.274_276delCCT).
Protein change: p.Pro92del; deletes proline 92.
Molecular consequence: inframe deletion. On other transcripts: 5 prime UTR variant (2).
Genome position (GRCh38, 1-based): chr2:196,920,022-196,920,024, AGG deleted on the plus strand (CCT on the coding strand, the reverse complement: PGAP1 is on the minus strand); deleting any 3 consecutive bases within chr2:196,920,022-196,920,025 gives the same sequence; the c. name uses the placement nearest the transcript's 3' end. VCF-style (leftmost placement, unchanged base first): chr2-196920021-CAGG-C. GRCh37 (hg19) VCF-style: chr2-197784745-CAGG-C.
Other names: c.-249_-247del (NM_001321099.2); c.-838_-836del (NM_001321100.2); short protein forms P92del.
Identifiers: ClinVar variation 222979 (VCV000222979.4), dbSNP rs869025579, ClinGen allele CA352433.
Genomic context (GRCh38, chr2:196,920,021, plus strand): 5'-TTATAGCTTTCAAAATTTACTTCCAGTAAGACTTACCTTGCTTATAACTTCCAGCATTAC[CAGG>C]AAGAAAGAGAACTGGAATACCCGTCAAAGGGAGAATTTTGTGTTCTTCAGCATAGGATCC-3'

ClinVar aggregate classification (germline): Pathogenic. Review status: criteria provided, single submitter (1 of 4 stars). 2 submissions from 2 submitters: Pathogenic (1). 1 of the submissions does not count toward it. Last evaluated 2015-09-09.

Conditions:
Cerebral visual impairment and intellectual disability.
Intellectual disability, autosomal recessive 42 (NEDDSBA). Also called: GLYCOSYLPHOSPHATIDYLINOSITOL BIOSYNTHESIS DEFECT 9; Neurodevelopmental disorder with dysmorphic features, spasticity, and brain abnormalities. Identifiers: Orphanet 88616, MedGen C4014343, MONDO:0014348, OMIM 615802.

Submissions (2):

Lupski Lab, Baylor-Hopkins CMG, Baylor College of Medicine
Classification: Pathogenic for Cerebral visual impairment and intellectual disability. Last evaluated: 2015-09-09. Review status: criteria provided, single submitter. Criteria: Bosch et al. (EJHG 2015). Collection method: research. Allele origin: paternal. Inheritance: Autosomal recessive inheritance. Affected: yes. Observed: 1 variant allele, 1 heterozygote, 1 compound heterozygote.
Comment: This study shows that diverse genetic causes underlie CVI.

OMIM
Classification: Pathogenic for NEURODEVELOPMENTAL DISORDER WITH DYSMORPHIC FEATURES, SPASTICITY, AND BRAIN ABNORMALITIES. Last evaluated: 2021-05-24. Review status: no assertion criteria provided. Collection method: literature only. Allele origin: germline. Not counted in ClinVar's aggregate classification.

Literature cited by the submitters: PubMed 25804403 (cited by Lupski Lab, Baylor-Hopkins CMG, Baylor College of Medicine and OMIM).